The following is an entry in ClinVar:

NM_015335.5(MED13L):c.6446A>G (p.Asn2149Ser)

Gene: MED13L (mediator complex subunit 13L; minus strand). Cytogenetic location: 12q24.21.
Variant type: single nucleotide variant.
Coding change: c.6446A>G on transcript NM_015335.5 (MANE Select); coding-DNA position 6446, A replaced by G.
Protein change: p.Asn2149Ser; replaces asparagine 2149 with serine.
Molecular consequence: missense variant.
Genome position (GRCh38, 1-based): chr12:115,963,461, T>C on the plus strand (A>G on the coding strand, the complement: MED13L is on the minus strand). VCF-style: chr12-115963461-T-C. GRCh37 (hg19) VCF-style: chr12-116401266-T-C.
Other names: short protein forms N2149S.
Identifiers: ClinVar variation 3362090 (VCV003362090.1).

ClinVar aggregate classification (germline): Uncertain significance (1 of 4 stars; one submission).

gnomAD v4.1: 2 of 1,614,232 alleles (0.00012%); highest among the groups gnomAD compares: South Asian, 0.0011%; no homozygotes.

Submission:

GeneDx
Classification: Uncertain significance. Last evaluated: 2023-05-25. Review status: criteria provided, single submitter. Criteria: GeneDx Variant Classification Process June 2021. Collection method: clinical testing. Allele origin: germline. Affected: yes.
Comment: Not observed at significant frequency in large population cohorts (gnomAD); In silico analysis supports that this missense variant does not alter protein structure/function; Has not been previously published as pathogenic or benign to our knowledge